The following is an entry in ClinVar:

ClinVar aggregate classification (germline): Uncertain significance (1 of 4 stars; one submission).

Conditions:
Cardiovascular phenotype. Identifiers: MedGen CN230736.

Submission:

Ambry Genetics
Classification: Uncertain significance for Cardiovascular phenotype. Last evaluated: 2025-09-12. Review status: criteria provided, single submitter. Criteria: Ambry Variant Classification Scheme 2023. Collection method: clinical testing. Allele origin: germline.
Comment: The p.V10M variant (also known as c.28G>A), located in coding exon 1 of the TCAP gene, results from a G to A substitution at nucleotide position 28. The valine at codon 10 is replaced by methionine, an amino acid with highly similar properties. This amino acid position is conserved. In addition, the in silico prediction for this alteration is inconclusive. Based on the available evidence, the clinical significance of this variant remains unclear.

NM_003673.4(TCAP):c.28G>A (p.Val10Met)

Gene: TCAP (titin-cap; plus strand). Cytogenetic location: 17q12.
Variant type: single nucleotide variant.
Coding change: c.28G>A on transcript NM_003673.4 (MANE Select); coding-DNA position 28, G replaced by A.
Protein change: p.Val10Met; replaces valine 10 with methionine.
Molecular consequence: missense variant.
Genome position (GRCh38, 1-based): chr17:39,665,387, G>A. VCF-style: chr17-39665387-G-A. GRCh37 (hg19) VCF-style: chr17-37821640-G-A.
Other names: short protein forms V10M.
Identifiers: ClinVar variation 4181382 (VCV004181382.1).